The following is an entry in ClinVar:

ClinVar aggregate classification (germline): Conflicting classifications of pathogenicity. Review status: criteria provided, conflicting classifications (1 of 4 stars). 5 submissions from 5 submitters: Uncertain significance (4); Likely benign (1). Last evaluated 2025-11-18.

Conditions:
TNXB-related disorder. Also called: TNXB-related condition.
Cardiovascular phenotype. Identifiers: MedGen CN230736.

Allele frequency attached by ClinVar (database versions not stated): TOPMed 0.00008; gnomAD exomes 0.00010 and 0.00012; gnomAD 0.00011 and 0.00012; ESP Exome Variant Server 0.00013; ExAC 0.00015.

Submissions (5):

GeneDx
Classification: Uncertain significance. Last evaluated: 2025-11-18. Review status: criteria provided, single submitter. Criteria: GeneDx Variant Classification Process June 2021. Collection method: clinical testing. Allele origin: germline. Affected: yes.
Comment: Has not been previously published as pathogenic or benign to our knowledge; In silico analysis suggests that this missense variant does not alter protein structure/function

PreventionGenetics, part of Exact Sciences
Classification: Uncertain significance for TNXB-related condition. Last evaluated: 2025-02-22. Review status: criteria provided, single submitter. Criteria: ACMG Guidelines, 2015. Collection method: clinical testing. Allele origin: germline.
Comment: The TNXB c.3038G>A variant is predicted to result in the amino acid substitution p.Arg1013His. To our knowledge, this variant has not been reported in the literature. This variant is reported in 0.022% of alleles in individuals of European (Non-Finnish) descent in gnomAD. At this time, the clinical significance of this variant is uncertain due to the absence of conclusive functional and genetic evidence.

Women's Health and Genetics/Laboratory Corporation of America, LabCorp
Classification: Uncertain significance. Last evaluated: 2025-01-13. Review status: criteria provided, single submitter. Criteria: LabCorp Variant Classification Summary - May 2015. Collection method: clinical testing. Allele origin: germline.
Comment: Variant summary: TNXB c.3038G>A (p.Arg1013His) results in a non-conservative amino acid change located in the Fibronectin type 3 domain (IPR003961) of the encoded protein sequence. Three of five in-silico tools predict a damaging effect of the variant on protein function. The variant allele was found at a frequency of 0.00012 in 243582 control chromosomes. This frequency is not significantly higher than estimated for a pathogenic variant in TNXB causing Ehlers-Danlos syndrome due to tenascin-X deficiency (0.00012 vs 0.0011), allowing no conclusion about variant significance. To our knowledge, no occurrence of c.3038G>A in individuals affected with Ehlers-Danlos syndrome due to tenascin-X deficiency and no experimental evidence demonstrating its impact on protein function have been reported. ClinVar contains an entry for this variant (Variation ID: 624237). Based on the evidence outlined above, the variant was classified as uncertain significance.

Ambry Genetics
Classification: Likely benign for Cardiovascular phenotype. Last evaluated: 2024-12-13. Review status: criteria provided, single submitter. Criteria: Ambry Variant Classification Scheme 2023. Collection method: clinical testing. Allele origin: germline.

CeGaT Center for Human Genetics Tuebingen
Classification: Uncertain significance. Last evaluated: 2018-05-01. Review status: criteria provided, single submitter. Criteria: CeGaT Center For Human Genetics Tuebingen Variant Classification Criteria Version 2. Collection method: clinical testing. Allele origin: germline. Affected: yes. Observed: 1 variant allele.

NM_001365276.2(TNXB):c.3038G>A (p.Arg1013His)

Gene: TNXB (tenascin XB; minus strand). Cytogenetic location: 6p21.33.
Variant type: single nucleotide variant.
Coding change: c.3038G>A on transcript NM_001365276.2 (MANE Select); coding-DNA position 3038, G replaced by A.
Protein change: p.Arg1013His; replaces arginine 1013 with histidine.
Molecular consequence: missense variant.
Genome position (GRCh38, 1-based): chr6:32,085,860, C>T on the plus strand (G>A on the coding strand, the complement: TNXB is on the minus strand). VCF-style: chr6-32085860-C-T. GRCh37 (hg19) VCF-style: chr6-32053637-C-T.
Other names: c.3038G>A, p.Arg1013His (NM_019105.8); short protein forms R1013H.
Identifiers: ClinVar variation 624237 (VCV000624237.54), dbSNP rs200322894, ClinGen allele CA3735263.